The following is an entry in ClinVar:

NM_004304.5(ALK):c.3748A>G (p.Ile1250Val)

Gene: ALK (ALK receptor tyrosine kinase; minus strand). Cytogenetic location: 2p23.2.
Variant type: single nucleotide variant.
Coding change: c.3748A>G on transcript NM_004304.5 (MANE Select); coding-DNA position 3748, A replaced by G.
Protein change: p.Ile1250Val; replaces isoleucine 1250 with valine.
Molecular consequence: missense variant.
Genome position (GRCh38, 1-based): chr2:29,209,874, T>C on the plus strand (A>G on the coding strand, the complement: ALK is on the minus strand). VCF-style: chr2-29209874-T-C. GRCh37 (hg19) VCF-style: chr2-29432740-T-C.
Other names: c.544A>G, p.Ile182Val (NM_001353765.2); c.3748A>G (NM_004304.4); short protein forms I182V, I1250V.
Identifiers: ClinVar variation 2920426 (VCV002920426.4), dbSNP rs763792752, ClinGen allele CA1593787.
Genomic context (GRCh38, chr2:29,209,874, plus strand): 5'-CTCCAATCTTGGCCACTCTTCCAGGGCCTGGACAGGTCAAGAGGCAGTTTCTGGCAGCAA[T>C]GTCTCTGGGAAGAAAGGAAATGCATTTCCTAATTTTATCCCTAGGAAGATGAGTGTACAA-3'
Protein context (NP_004295.2, residues 1240-1260): LEENHFIHRD[Ile1250Val]AARNCLLTCP

ClinVar aggregate classification (germline): Uncertain significance. Review status: criteria provided, multiple submitters, no conflicts (2 of 4 stars). 2 submissions from 2 submitters: Uncertain significance (2). Last evaluated 2025-09-07.

Conditions:
Hereditary cancer-predisposing syndrome. Also called: Tumor predisposition; Neoplastic Syndromes, Hereditary; Hereditary Cancer Syndrome; Hereditary neoplastic syndrome. Identifiers: Orphanet 140162, MedGen C0027672, MeSH D009386, MONDO:0015356.
Neuroblastoma, susceptibility to, 3. Also called: ALK-Related Neuroblastic Tumor Susceptibility. Identifiers: Orphanet 635, MedGen C2751681, MONDO:0013083, OMIM 613014.

Allele frequency attached by ClinVar (database versions not stated): gnomAD exomes below 0.00001; ExAC 0.00001.
gnomAD v4.1: 3 of 1,613,958 alleles (0.00019%); highest among the groups gnomAD compares: Non-Finnish European, 0.00025%; no homozygotes.

Submissions (2):

Ambry Genetics
Classification: Uncertain significance for Hereditary cancer-predisposing syndrome. Last evaluated: 2025-09-07. Review status: criteria provided, single submitter. Criteria: Ambry Variant Classification Scheme 2023. Collection method: clinical testing. Allele origin: germline.
Comment: The p.I1250V variant (also known as c.3748A>G), located in coding exon 25 of the ALK gene, results from an A to G substitution at nucleotide position 3748. The isoleucine at codon 1250 is replaced by valine, an amino acid with highly similar properties. This amino acid position is conserved. In addition, the in silico prediction for this alteration is inconclusive. Based on the available evidence, the clinical significance of this variant remains unclear.

Labcorp Genetics (formerly Invitae), Labcorp
Classification: Uncertain significance for Neuroblastoma, susceptibility to, 3. Last evaluated: 2025-04-13. Review status: criteria provided, single submitter. Criteria: Invitae Variant Classification Sherloc (09022015). Collection method: clinical testing. Allele origin: germline.
Comment: This sequence change replaces isoleucine, which is neutral and non-polar, with valine, which is neutral and non-polar, at codon 1250 of the ALK protein (p.Ile1250Val). This variant is present in population databases (rs763792752, gnomAD 0.0009%). This variant has not been reported in the literature in individuals affected with ALK-related conditions. ClinVar contains an entry for this variant (Variation ID: 2920426). An algorithm developed to predict the effect of missense changes on protein structure and function (PolyPhen-2) suggests that this variant is likely to be disruptive. In summary, the available evidence is currently insufficient to determine the role of this variant in disease. Therefore, it has been classified as a Variant of Uncertain Significance.